The following is an entry in ClinVar:

ClinVar aggregate classification (germline): Uncertain significance (1 of 4 stars; one submission).

Allele frequency attached by ClinVar (database versions not stated): gnomAD 0.00001; gnomAD exomes 0.00001 and 0.00004; TOPMed 0.00001; ExAC 0.00003.
gnomAD v4.1: 16 of 1,566,252 alleles (0.001%); highest among the groups gnomAD compares: Admixed American, 0.027%; no homozygotes.

Submission:

Labcorp Genetics (formerly Invitae), Labcorp
Classification: Uncertain significance. Last evaluated: 2023-12-07. Review status: criteria provided, single submitter. Criteria: Invitae Variant Classification Sherloc (09022015). Collection method: clinical testing. Allele origin: germline.
Comment: This sequence change replaces valine, which is neutral and non-polar, with alanine, which is neutral and non-polar, at codon 78 of the HPGD protein (p.Val78Ala). This variant is present in population databases (rs761670504, gnomAD 0.03%). This variant has not been reported in the literature in individuals affected with HPGD-related conditions. ClinVar contains an entry for this variant (Variation ID: 1350684). Algorithms developed to predict the effect of missense changes on protein structure and function output the following: SIFT: "Not Available"; PolyPhen-2: "Benign"; Align-GVGD: "Not Available". The alanine amino acid residue is found in multiple mammalian species, which suggests that this missense change does not adversely affect protein function. In summary, the available evidence is currently insufficient to determine the role of this variant in disease. Therefore, it has been classified as a Variant of Uncertain Significance.

NM_000860.6(HPGD):c.233T>C (p.Val78Ala)

Gene: HPGD (15-hydroxyprostaglandin dehydrogenase; minus strand). Cytogenetic location: 4q34.1.
Variant type: single nucleotide variant.
Coding change: c.233T>C on transcript NM_000860.6 (MANE Select); coding-DNA position 233, T replaced by C.
Protein change: p.Val78Ala; replaces valine 78 with alanine.
Molecular consequence: missense variant. On other transcripts: 5 prime UTR variant (1), intron variant (2).
Genome position (GRCh38, 1-based): chr4:174,518,062, A>G on the plus strand (T>C on the coding strand, the complement: HPGD is on the minus strand). VCF-style: chr4-174518062-A-G. GRCh37 (hg19) VCF-style: chr4-175439213-A-G.
Other names: c.233T>C, p.Val78Ala (NM_001145816.3, NM_001256305.2, NM_001363574.2); c.-131T>C (NM_001256301.1); c.217+3882T>C (NM_001256306.2); c.-40+3882T>C (NM_001256307.2); short protein forms V78A.
Identifiers: ClinVar variation 1350684 (VCV001350684.4), dbSNP rs761670504, ClinGen allele CA3142348.